The following is an entry in ClinVar:

NM_001267550.2(TTN):c.84819G>A (p.Trp28273Ter)

Genes: TTN (titin; minus strand), TTN-AS1 (TTN antisense RNA 1; plus strand). Cytogenetic location: 2q31.2.
Variant type: single nucleotide variant.
Coding change: c.84819G>A on transcript NM_001267550.2 (MANE Select); coding-DNA position 84819, G replaced by A.
Protein change: p.Trp28273Ter; replaces tryptophan 28273 with a stop codon.
Molecular consequence: nonsense.
Genome position (GRCh38, 1-based): chr2:178,561,313, C>T on the plus strand (G>A on the coding strand, the complement: TTN is on the minus strand). VCF-style: chr2-178561313-C-T. GRCh37 (hg19) VCF-style: chr2-179426040-C-T.
Other names: c.79896G>A, p.Trp26632Ter (NM_001256850.1); c.57624G>A, p.Trp19208Ter (NM_003319.4); c.77115G>A, p.Trp25705Ter (NM_133378.4); c.57999G>A, p.Trp19333Ter (NM_133432.3); c.58200G>A, p.Trp19400Ter (NM_133437.4); short protein forms W26632*, W19208*, W25705*, W28273*, W19333*, W19400*.
Identifiers: ClinVar variation 646187 (VCV000646187.10), dbSNP rs72648222, ClinGen allele CA60985029.

ClinVar aggregate classification (germline): Pathogenic. Review status: criteria provided, multiple submitters, no conflicts (2 of 4 stars). 2 submissions from 2 submitters: Pathogenic (2). Last evaluated 2023-03-21.

Conditions:
Cardiomyopathy (CMYO). Also called: Cardiomyopathies. Identifiers: Orphanet 167848, MedGen C0878544, MONDO:0004994, HP:0001638. Inheritance: Various modes of inheritance.
Dilated cardiomyopathy 1G (CMD1G). Identifiers: Orphanet 154, MedGen C1858763, MONDO:0011400, OMIM 604145.
Autosomal recessive limb-girdle muscular dystrophy type 2J (LGMDR10). Also called: Limb-girdle muscular dystrophy, type 2J; MUSCULAR DYSTROPHY, LIMB-GIRDLE, AUTOSOMAL RECESSIVE 10. Identifiers: Orphanet 140922, MedGen C1837342, MONDO:0012127, OMIM 608807.

Submissions (2):

CHEO Genetics Diagnostic Laboratory, Children's Hospital of Eastern Ontario
Classification: Pathogenic for Cardiomyopathy. Last evaluated: 2023-03-21. Review status: criteria provided, single submitter. Criteria: ACMG Guidelines, 2015. Collection method: clinical testing. Allele origin: germline.

Labcorp Genetics (formerly Invitae), Labcorp
Classification: Pathogenic for Dilated cardiomyopathy 1G; Autosomal recessive limb-girdle muscular dystrophy type 2J. Last evaluated: 2018-12-18. Review status: criteria provided, single submitter. Criteria: Invitae Variant Classification Sherloc (09022015). Collection method: clinical testing. Allele origin: germline.
Comment: This variant is not present in population databases (ExAC no frequency). This variant has been observed in individuals affected with DCM (PMID: 22335739, Invitae). This variant is also known as c.79896G>A (p.Trp26632X) in the literature. This variant is located in the A band of TTN (PMID: 25589632). Truncating variants in this region are significantly overrepresented in patients affected with dilated cardiomyopathy (PMID: 25589632). Truncating variants in this region have also been reported in individuals affected with autosomal recessive centronuclear myopathy (PMID: 23975875). For these reasons, this variant has been classified as Pathogenic. This sequence change results in a premature translational stop signal in the TTN gene (p.Trp28273*). While this is not anticipated to result in nonsense mediated decay, it is expected to create a truncated TTN protein.

Literature cited by the submitters: PubMed 22335739 (cited by Labcorp Genetics (formerly Invitae), Labcorp); PubMed 25589632 (cited by Labcorp Genetics (formerly Invitae), Labcorp); PubMed 23975875 (cited by Labcorp Genetics (formerly Invitae), Labcorp).